The following is an entry in ClinVar:

NM_006231.4(POLE):c.2099C>T (p.Pro700Leu)

Gene: POLE (DNA polymerase epsilon, catalytic subunit; minus strand). Cytogenetic location: 12q24.33.
Variant type: single nucleotide variant.
Coding change: c.2099C>T on transcript NM_006231.4 (MANE Select); coding-DNA position 2099, C replaced by T.
Protein change: p.Pro700Leu; replaces proline 700 with leucine.
Molecular consequence: missense variant.
Genome position (GRCh38, 1-based): chr12:132,668,430, G>A on the plus strand (C>T on the coding strand, the complement: POLE is on the minus strand). VCF-style: chr12-132668430-G-A. GRCh37 (hg19) VCF-style: chr12-133245016-G-A.
Other names: short protein forms P700L.
Identifiers: ClinVar variation 405735 (VCV000405735.18), dbSNP rs777002868, ClinGen allele CA6893679.

ClinVar aggregate classification (germline): Conflicting classifications of pathogenicity. Review status: criteria provided, conflicting classifications (1 of 4 stars). 5 submissions from 5 submitters: Uncertain significance (4); Likely benign (1). Last evaluated 2025-12-28.

Conditions:
Familial colorectal cancer. Identifiers: MedGen CN280943, MONDO:0023113. Disease mechanism: loss of function.
Hereditary cancer-predisposing syndrome. Also called: Hereditary Cancer Syndrome; Hereditary neoplastic syndrome; Neoplastic Syndromes, Hereditary; Tumor predisposition. Identifiers: Orphanet 140162, MedGen C0027672, MeSH D009386, MONDO:0015356.

Allele frequency attached by ClinVar (database versions not stated): ExAC 0.00001; gnomAD exomes 0.00001 and 0.00002; TOPMed 0.00001.
gnomAD v4.1: 9 of 1,612,748 alleles (0.00056%); highest among the groups gnomAD compares: Admixed American, 0.0067%; no homozygotes.

Submissions (5):

Labcorp Genetics (formerly Invitae), Labcorp
Classification: Uncertain significance. Last evaluated: 2025-12-28. Review status: criteria provided, single submitter. Criteria: Invitae Variant Classification Sherloc (09022015). Collection method: clinical testing. Allele origin: germline.
Comment: This sequence change replaces proline, which is neutral and non-polar, with leucine, which is neutral and non-polar, at codon 700 of the POLE protein (p.Pro700Leu). This variant is present in population databases (rs777002868, gnomAD 0.006%). This variant has not been reported in the literature in individuals affected with POLE-related conditions. ClinVar contains an entry for this variant (Variation ID: 405735). Invitae Evidence Modeling of protein sequence and biophysical properties (such as structural, functional, and spatial information, amino acid conservation, physicochemical variation, residue mobility, and thermodynamic stability) indicates that this missense variant is not expected to disrupt POLE protein function with a negative predictive value of 80%. In summary, the available evidence is currently insufficient to determine the role of this variant in disease. Therefore, it has been classified as a Variant of Uncertain Significance.

Ambry Genetics
Classification: Uncertain significance for Hereditary cancer-predisposing syndrome. Last evaluated: 2025-02-26. Review status: criteria provided, single submitter. Criteria: Ambry Variant Classification Scheme 2023. Collection method: clinical testing. Allele origin: germline.
Comment: The p.P700L variant (also known as c.2099C>T), located in coding exon 19 of the POLE gene, results from a C to T substitution at nucleotide position 2099. The proline at codon 700 is replaced by leucine, an amino acid with similar properties. This amino acid position is conserved. In addition, this alteration is predicted to be tolerated by in silico analysis. Based on the available evidence, the clinical significance of this variant remains unclear.

Mendelics
Classification: Likely benign for Familial colorectal cancer. Last evaluated: 2024-04-01. Review status: criteria provided, single submitter. Criteria: Mendelics Assertion Criteria 2017. Collection method: clinical testing. Allele origin: unknown.

GeneDx
Classification: Uncertain significance. Last evaluated: 2022-12-23. Review status: criteria provided, single submitter. Criteria: GeneDx Variant Classification Process June 2021. Collection method: clinical testing. Allele origin: germline. Affected: yes.
Comment: Not observed at significant frequency in large population cohorts (gnomAD); In silico analysis supports that this missense variant has a deleterious effect on protein structure/function; Has not been previously published as pathogenic or benign to our knowledge; This variant is associated with the following publications: (PMID: 31034466, 20951805)

Sema4
Classification: Uncertain significance for Hereditary cancer-predisposing syndrome. Last evaluated: 2021-05-18. Review status: criteria provided, single submitter. Criteria: Sema4 Curation Guidelines. Collection method: curation. Allele origin: germline.
Comment: To the best of our knowledge, the POLE c.2099C>T (p.P700L) variant has not been reported in individuals with POLE-related disease. It was observed in 3/34318 chromosomes of the Latino subpopulation in the large and broad cohorts of the Genome Aggregation Database. The variant has been reported in ClinVar (Variation ID: 405735). In silico tools suggest the impact of the variant on protein function is inconclusive, though these predictions have not been confirmed by functional studies. The evidence is insufficient to meet ACMG/AMP criteria for classifying the variant as benign or pathogenic. Thus, the clinical significance of this variant is currently uncertain.